The following is an entry in ClinVar:

NM_012082.4(ZFPM2):c.1093T>G (p.Cys365Gly)

Genes: ZFPM2 (zinc finger protein, FOG family member 2; plus strand), ZFPM2-AS1 (ZFPM2 antisense RNA 1; minus strand). Cytogenetic location: 8q23.1.
Variant type: single nucleotide variant.
Coding change: c.1093T>G on transcript NM_012082.4 (MANE Select); coding-DNA position 1093, T replaced by G.
Protein change: p.Cys365Gly; replaces cysteine 365 with glycine.
Molecular consequence: missense variant.
Genome position (GRCh38, 1-based): chr8:105,801,175, T>G. VCF-style: chr8-105801175-T-G. GRCh37 (hg19) VCF-style: chr8-106813403-T-G.
Other names: c.934T>G, p.Cys312Gly (NM_001362836.2); c.697T>G, p.Cys233Gly (NM_001362837.2); short protein forms C365G, C233G, C312G.
Identifiers: ClinVar variation 4740171 (VCV004740171.1).

ClinVar aggregate classification (germline): Uncertain significance (1 of 4 stars; one submission).

Conditions:
46,XY sex reversal 9 (SRXY9). Also called: 46,XY SEX REVERSAL, ZFPM2-RELATED. Identifiers: Orphanet 251510, MedGen C4015129, MONDO:0014480, OMIM 616067.

Submission:

Labcorp Genetics (formerly Invitae), Labcorp
Classification: Uncertain significance for 46,XY sex reversal 9. Last evaluated: 2025-05-19. Review status: criteria provided, single submitter. Criteria: Invitae Variant Classification Sherloc (09022015). Collection method: clinical testing. Allele origin: germline.
Comment: This sequence change replaces cysteine, which is neutral and slightly polar, with glycine, which is neutral and non-polar, at codon 365 of the ZFPM2 protein (p.Cys365Gly). This variant is not present in population databases (gnomAD no frequency). This variant has not been reported in the literature in individuals affected with ZFPM2-related conditions. An algorithm developed to predict the effect of missense changes on protein structure and function (PolyPhen-2) suggests that this variant is likely to be disruptive. Algorithms developed to predict the effect of sequence changes on RNA splicing suggest that this variant may create or strengthen a splice site. In summary, the available evidence is currently insufficient to determine the role of this variant in disease. Therefore, it has been classified as a Variant of Uncertain Significance.